The following is an entry in ClinVar:

NM_000142.5(FGFR3):c.2222T>C (p.Phe741Ser)

Gene: FGFR3 (fibroblast growth factor receptor 3; plus strand). Cytogenetic location: 4p16.3.
Variant type: single nucleotide variant.
Coding change: c.2222T>C on transcript NM_000142.5 (MANE Select); coding-DNA position 2222, T replaced by C.
Protein change: p.Phe741Ser; replaces phenylalanine 741 with serine.
Molecular consequence: missense variant. On other transcripts: synonymous variant (1), non-coding transcript variant (1).
Genome position (GRCh38, 1-based): chr4:1,806,882, T>C. VCF-style: chr4-1806882-T-C. GRCh37 (hg19) VCF-style: chr4-1808609-T-C.
Other names: c.2228T>C, p.Phe743Ser (NM_001163213.2); c.2225T>C, p.Phe742Ser (NM_001354809.2); c.2154T>C, p.Leu718= (NM_001354810.2); c.1886T>C, p.Phe629Ser (NM_022965.4); short protein forms F741S, F743S, F742S, F629S.
Identifiers: ClinVar variation 453010 (VCV000453010.2), dbSNP rs768999235, ClinGen allele CA355985353.

ClinVar aggregate classification (germline): Uncertain significance (1 of 4 stars; one submission).

Allele frequency attached by ClinVar (database versions not stated): TOPMed 0.00001.
gnomAD v4.1: 3 of 1,611,840 alleles (0.00019%); highest among the groups gnomAD compares: Non-Finnish European, 0.000085%; no homozygotes.

Submission:

GeneDx
Classification: Uncertain significance. Last evaluated: 2017-10-19. Review status: criteria provided, single submitter. Criteria: GeneDx Variant Classification (06012015). Collection method: clinical testing. Allele origin: germline. Affected: yes.
Comment: The F741S variant has not been published as a pathogenic variant, nor has it been reported as a benign variant to our knowledge. The F741S variant is not observed in large population cohorts (Lek et al., 2016). F741S is a non-conservative amino acid substitution, which is likely to impact secondary protein structure as these residues differ in polarity, charge, size and/or other properties. This substitution occurs at a position that is conserved across species. In silico analysis predicts this variant is probably damaging to the protein structure/function. In summary, based on the currently available information, it is unclear whether this variant is a pathogenic variant or a rare benign variant. This variant has been observed with another pathogenic variant in FGFR3.